The following is an entry in ClinVar:

ClinVar aggregate classification (germline): Pathogenic/Likely pathogenic. Review status: criteria provided, multiple submitters, no conflicts (2 of 4 stars). 30 submissions from 27 submitters: Pathogenic (17); Likely pathogenic (9). 4 of the submissions do not count toward it. Last evaluated 2026-07-17.

Conditions:
Congenital nonspherocytic hemolytic anemia. Also called: Hereditary non-spherocytic hemolytic anemia. Identifiers: MedGen C0002882, MONDO:0006506.
G6PD-related disorders.
G6PD-related disorder. Also called: G6PD-related condition.
Malaria, susceptibility to. Identifiers: Orphanet 673, MedGen C1970028, MONDO:0021024, OMIM 611162.
Anemia, nonspherocytic hemolytic, due to G6PD deficiency (CNSHA1). Also called: Class I glucose-6-phosphate dehydrogenase deficiency; Favism, susceptibility to; ANEMIA, CONGENITAL, NONSPHEROCYTIC HEMOLYTIC, 1; Hemolytic anemia due to G6PD deficiency. Identifiers: Orphanet 466026, MedGen C2720289, MONDO:0010480, OMIM 300908.
G6PD KALYAN.
G6PD KERALA-KALYAN.
G6PD KERALA.
G6PD deficiency. Also called: G6PD A-. Identifiers: MedGen C2939465, MONDO:0005775.

Allele frequency attached by ClinVar (database versions not stated): gnomAD 0.00004 and 0.00026; ExAC 0.00142; 1000 Genomes Project 0.00212; TOPMed 0.00010; gnomAD exomes 0.00124 and 0.00059; 1000 Genomes Project 30x 0.00208.
gnomAD v4.1: 682 of 1,211,171 alleles (0.056%); highest among the groups gnomAD compares: South Asian, 1.1%; 7 homozygotes.

Submissions 1 to 7 of 30:

GeneDx
Classification: Pathogenic. Last evaluated: 2026-07-17. Review status: criteria provided, single submitter. Criteria: GeneDx Variant Classification Process June 2021. Collection method: clinical testing. Allele origin: germline.
Comment: In silico analysis supports that this missense variant has a deleterious effect on protein structure/function; Class III variant according to the WHO classification system, associated with moderate G6PD deficiency (10-60% enzyme activity) and hemolysis with stressors only (PMID: 22293322); Previously described as G6PD Kerala, G6PD Kalyan, G6PD Kerala-Kalyan, G6PD Jamnagar, and G6PD Rohini (PMID: 1303182, 15996881); This variant is associated with the following publications: (PMID: 32036089, 30097005, 36508454, 34551338, 34620237, 33069889, 20713184, 27880809, 27535533, 17233850, 1303182, 15996881, 22293322, 36681081, 38312194, 38488835)

Victorian Clinical Genetics Services, Murdoch Childrens Research Institute
Classification: Pathogenic for Anemia, nonspherocytic hemolytic, due to G6PD deficiency. Last evaluated: 2026-06-03. Review status: criteria provided, single submitter. Criteria: ACMG Guidelines, 2015. Collection method: clinical testing. Allele origin: germline.
Comment: This variant is classified as Pathogenic. Evidence in support of pathogenic classification: This variant has strong previous evidence of pathogenicity in unrelated individuals. This variant has previously been classified as a G6PD Class III variant and is known as the Kerala-Kalyan variant. Individuals with this variant have moderate to mild G6PD enzyme activity (WHO recommendations; G6PD database; PMID: 22293322; 30097005, 31833391). Additional information: Variant is predicted to result in a missense amino acid change from Glu to Lys; This variant is hemizygous; This gene is associated with X-linked recessive disease; Variant is present in gnomAD >=0.01 and <0.03 for a recessive condition (v4: 292 heterozygote(s), 7 homozygote(s), 376 hemizygote(s)); Variant is located in the annotated G6PD C-terminal domain (DECIPHER); Missense variant with conflicting in silico predictions and uninformative conservation; Loss of function is a known mechanism of disease in this gene and is associated with G6PD deficient congenital nonspherocytic haemolytic anaemia 1 (MIM#300908); Inheritance information for this variant is not currently available in this individual.

Variantyx, Inc.
Classification: Likely pathogenic for Anemia, nonspherocytic hemolytic, due to G6PD deficiency. Last evaluated: 2026-01-23. Review status: criteria provided, single submitter. Criteria: Variantyx Assertion Criteria 2022. Collection method: clinical testing. Allele origin: maternal. Inheritance: X-linked inheritance.
Comment: This is a nonsynonymous variant in the G6PD gene (OMIM: 305900). Pathogenic variants in this gene have been associated with X-linked hemolytic anemia due to G6PD deficiency (favism). This variant has been reported in several unrelated affected individuals (PMID: 1303182, 16528451, 15315792) (PS4) and has a 1.1380% maximum allele frequency in non-founder control populations. Functional studies have shown that this variant alters G6PD protein function (PMID: 30097005, 16528451, 15315792, 27880809, 27535533) (PS3) and multiple computational algorithms predict a deleterious effect (REVEL score: 0.648) (PP3). Based on the current evidence, this variant is classified as likely pathogenic for X-linked hemolytic anemia due to G6PD deficiency (favism).

Labcorp Genetics (formerly Invitae), Labcorp
Classification: Pathogenic for Anemia, nonspherocytic hemolytic, due to G6PD deficiency. Last evaluated: 2026-01-11. Review status: criteria provided, single submitter. Criteria: Invitae Variant Classification Sherloc (09022015). Collection method: clinical testing. Allele origin: germline.
Comment: This sequence change replaces glutamic acid, which is acidic and polar, with lysine, which is basic and polar, at codon 317 of the G6PD protein (p.Glu317Lys). This variant is present in population databases (rs137852339, gnomAD 1.1%), and has an allele count higher than expected for a pathogenic variant. This variant is a prevalent G6PD variant in the South Asian population, typically associated with partial reduction of enzyme activity (PMID: 1303182, 30097005, 16528451, 15315792, 30097005, 27880809, 27535533). By WHO classification, this is a Class III variant associated with moderate G6PD deficiency (10-60% enzyme activity) and hemolysis with stressors only (PMID: 22293322). This variant is also known as G6PD Kerala, G6PD Kalyan, G6PD Kerala–Kalyan, G6PD Jamnaga, and G6PD Rohini. ClinVar contains an entry for this variant (Variation ID: 10401). Invitae Evidence Modeling of protein sequence and biophysical properties (such as structural, functional, and spatial information, amino acid conservation, physicochemical variation, residue mobility, and thermodynamic stability) has been performed for this missense variant. However, the output from this modeling did not meet the statistical confidence thresholds required to predict the impact of this variant on G6PD protein function. For these reasons, this variant has been classified as Pathogenic.

PreventionGenetics, part of Exact Sciences
Classification: Likely pathogenic for G6PD-related condition. Last evaluated: 2025-10-22. Review status: criteria provided, single submitter. Criteria: ACMG Guidelines, 2015. Collection method: clinical testing. Allele origin: germline.
Comment: The G6PD c.949G>A variant is predicted to result in the amino acid substitution p.Glu317Lys. This variant has been reported in the hemizygous and heterozygous state in individuals with glucose-6-phosphate dehydrogenase deficiency and is also known as G6PD Kerala, G6PD Kalyan, G6PD Kerala Kalyan and G6PD Rohini (Ahluwalia et al. 1992. PubMed ID: 1303182; Chalvam et al. 2007. PubMed ID: 17233850; Sarker et al. 2016. PubMed ID: 27880809; Islam et al. 2018. PubMed ID: 30097005; Reported as p.347His in Jamwal et al. 2020. PubMed ID: 32036089; Devendra et al. 2020. PubMed ID: 33069889; Table S3, S4 in Geck et al. 2023. PubMed ID: 36681081). This variant was previously categorized by the World Health Organization as a class III moderate G6PD deficiency variant, but has recently been recategorized as a Class B variant (<45% median G6PD activity; Luzzatto et al. 2024. PubMed ID: 39070600). This variant is reported in 1.1% of alleles in individuals of South Asian descent in gnomAD, including 1 homozygote and 132 hemizygous individuals. This minor allele frequency is higher than expected for a disease-causing variant, but this variant is expected to result in hemolysis only in the presence of stressors (Luzzatto et al. 2024. PubMed ID: 39070600). This variant is interpreted as likely pathogenic.

Foundation for Research in Genetics and Endocrinology, FRIGE's Institute of Human Genetics
Classification: Likely pathogenic for Anemia, nonspherocytic hemolytic, due to G6PD deficiency. Last evaluated: 2025-10-10. Review status: criteria provided, single submitter. Criteria: ACMG Guidelines, 2015. Collection method: clinical testing. Allele origin: germline. Inheritance: Autosomal recessive inheritance. Affected: yes. Observed: 1 variant allele, 1 hemizygote.
Comment: The hemizygous c.949G>A variant results in amino acid substitution at codon 317, replacing glutamic acid with lysine (p.Glu317Lys) in exon 9 of the G6PD gene. This variant has a MAF of 0.2119% in the 1000 genomes and 0.11% in the gnomAD databases. This variant has been reported in patients with G6PD deficiency (PMID:15315792). The in-silico prediction of the variant is deleterious by SIFT, MutationTaster and DANN. In summary, the variant meets our criteria to be classified as likely pathogenic.

Women's Health and Genetics/Laboratory Corporation of America, LabCorp
Classification: Pathogenic for G6PD deficiency. Last evaluated: 2025-05-22. Review status: criteria provided, single submitter. Criteria: LabCorp Variant Classification Summary - May 2015. Collection method: clinical testing. Allele origin: germline.
Comment: Variant summary: G6PD c.1039G>A (p.Glu347Lys) results in a conservative amino acid change in the encoded protein sequence. Algorithms developed to predict the effect of missense changes on protein structure and function are either unavailable or do not agree on the potential impact of this missense change. The variant allele was found at a frequency of 0.0012 in 183230 control chromosomes in the gnomAD database, including 1 homozygotes. This frequency is not significantly higher than estimated for a pathogenic variant in G6PD causing Glucose 6 Phosphate Dehydrogenase Deficiency (0.0012 vs 0.29), allowing no conclusion about variant significance. c.1039G>A (also known as G6PD Kerala-Kalyan) has been observed in multiple individuals affected with Glucose 6 Phosphate Dehydrogenase Deficiency (example: Sukumar_2004). These data indicate that the variant is very likely to be associated with disease. The following publication has been ascertained in the context of this evaluation (PMID: 15315792). ClinVar contains an entry for this variant (Variation ID: 10401). Based on the evidence outlined above, the variant was classified as pathogenic.

NM_000402.4(G6PD):c.1039G>A (p.Glu347Lys)

Gene: G6PD (glucose-6-phosphate dehydrogenase; minus strand). Cytogenetic location: Xq28.
Variant type: single nucleotide variant.
Coding change: c.1039G>A on transcript NM_000402.4; coding-DNA position 1039, G replaced by A.
Protein change: p.Glu347Lys; replaces glutamic acid 347 with lysine.
Molecular consequence: missense variant.
Genome position (GRCh38, 1-based): chrX:154,533,044, C>T on the plus strand (G>A on the coding strand, the complement: G6PD is on the minus strand). VCF-style: chrX-154533044-C-T. GRCh37 (hg19) VCF-style: chrX-153761259-C-T.
Other names: G6PD, GLU317LYS; G6PD Jamnaga; G6PD Kalyan; G6PD Kerala; G6PD Kerala-Kalyan; G6PD Rohini; p.Glu317Lys; c.949G>A, p.Glu317Lys (NM_001042351.3, NM_001360016.2); and 2 more; short protein forms E317K, E347K.
Identifiers: ClinVar variation 10401 (VCV000010401.95), dbSNP rs137852339, ClinGen allele CA121019.